The following is an entry in ClinVar:

ClinVar aggregate classification (germline): Pathogenic (1 of 4 stars; one submission).

Conditions:
Propionic acidemia (PROP). Also called: GLYCINEMIA, KETOTIC; HYPERGLYCINEMIA WITH KETOACIDOSIS AND LEUKOPENIA; KETOTIC HYPERGLYCINEMIA. Identifiers: Orphanet 35, MedGen C0268579, MONDO:0011628, OMIM 606054, HP:0003571.

Submission:

Labcorp Genetics (formerly Invitae), Labcorp
Classification: Pathogenic for Propionic acidemia. Last evaluated: 2023-06-27. Review status: criteria provided, single submitter. Criteria: Invitae Variant Classification Sherloc (09022015). Collection method: clinical testing. Allele origin: unknown.
Comment: This variant is a gross deletion of the genomic region encompassing exon(s) 8 of the PCCA gene. This deletion is out-of-frame, and is expected to create a premature termination codon and result in an absent or disrupted protein product. Loss-of-function variants in PCCA are known to be pathogenic (PMID: 15464417). For these reasons, this variant has been classified as Pathogenic. This variant has not been reported in the literature in individuals affected with PCCA-related conditions.

Literature cited by the submitters: PubMed 15464417.

NC_000013.10:g.(?_100888076)_(100888152_?)del

Gene: PCCA (propionyl-CoA carboxylase subunit alpha; plus strand). Cytogenetic location: 13q32.3.
Variant type: Deletion.
Identifiers: ClinVar variation 3244143 (VCV003244143.1).